The following is an entry in ClinVar:

NM_001170629.2(CHD8):c.5594G>A (p.Gly1865Glu)

Gene: CHD8 (chromodomain helicase DNA binding protein 8; minus strand). Cytogenetic location: 14q11.2.
Variant type: single nucleotide variant.
Coding change: c.5594G>A on transcript NM_001170629.2 (MANE Select); coding-DNA position 5594, G replaced by A.
Protein change: p.Gly1865Glu; replaces glycine 1865 with glutamic acid.
Molecular consequence: missense variant.
Genome position (GRCh38, 1-based): chr14:21,394,282, C>T on the plus strand (G>A on the coding strand, the complement: CHD8 is on the minus strand). VCF-style: chr14-21394282-C-T. GRCh37 (hg19) VCF-style: chr14-21862441-C-T.
Other names: c.4757G>A, p.Gly1586Glu (NM_020920.4); short protein forms G1586E, G1865E.
Identifiers: ClinVar variation 4614894 (VCV004614894.2).

ClinVar aggregate classification (germline): Uncertain significance. Review status: criteria provided, multiple submitters, no conflicts (2 of 4 stars). 2 submissions from 2 submitters: Uncertain significance (2). Last evaluated 2025-09-26.

Conditions:
Inborn genetic diseases. Identifiers: MedGen C0950123, MeSH D030342.

Submissions (2):

Ambry Genetics
Classification: Uncertain significance for Inborn genetic diseases. Last evaluated: 2025-09-26. Review status: criteria provided, single submitter. Criteria: Ambry Variant Classification Scheme 2023. Collection method: clinical testing. Allele origin: germline.

Labcorp Genetics (formerly Invitae), Labcorp
Classification: Uncertain significance. Last evaluated: 2025-08-26. Review status: criteria provided, single submitter. Criteria: Invitae Variant Classification Sherloc (09022015). Collection method: clinical testing. Allele origin: germline.
Comment: This sequence change replaces glycine, which is neutral and non-polar, with glutamic acid, which is acidic and polar, at codon 1865 of the CHD8 protein (p.Gly1865Glu). This variant is not present in population databases (gnomAD no frequency). This variant has not been reported in the literature in individuals affected with CHD8-related conditions. Invitae Evidence Modeling of protein sequence and biophysical properties (such as structural, functional, and spatial information, amino acid conservation, physicochemical variation, residue mobility, and thermodynamic stability) indicates that this missense variant is not expected to disrupt CHD8 protein function with a negative predictive value of 95%. In summary, the available evidence is currently insufficient to determine the role of this variant in disease. Therefore, it has been classified as a Variant of Uncertain Significance.